The following is an entry in ClinVar:

ClinVar aggregate classification (germline): Benign/Likely benign. Review status: criteria provided, multiple submitters, no conflicts (2 of 4 stars). 3 submissions from 3 submitters: Benign (1); Likely benign (2). Last evaluated 2026-01-15.

Conditions:
Thrombophilia due to protein C deficiency, autosomal dominant. Also called: PROC DEFICIENCY, AUTOSOMAL DOMINANT; PROTEIN C DEFICIENCY, AUTOSOMAL DOMINANT. Identifiers: Orphanet 745, MedGen C2674321, MONDO:0008316, OMIM 176860. Disease mechanism: loss of function.

Allele frequency attached by ClinVar (database versions not stated): gnomAD exomes 0.00099 and 0.00249; ExAC 0.00305; gnomAD 0.00967 and 0.01043; ESP Exome Variant Server 0.01030; 1000 Genomes Project 0.01058; TOPMed 0.01101; 1000 Genomes Project 30x 0.01156.
gnomAD v4.1: 2,961 of 1,614,106 alleles (0.18%); highest among the groups gnomAD compares: African/African-American, 3.5%; 43 homozygotes.

Submissions (3):

Labcorp Genetics (formerly Invitae), Labcorp
Classification: Benign for Thrombophilia due to protein C deficiency, autosomal dominant. Last evaluated: 2026-01-15. Review status: criteria provided, single submitter. Criteria: Invitae Variant Classification Sherloc (09022015). Collection method: clinical testing. Allele origin: germline.

Illumina Laboratory Services, Illumina
Classification: Likely benign for Thrombophilia due to protein C deficiency, autosomal dominant. Last evaluated: 2018-01-13. Review status: criteria provided, single submitter. Criteria: ICSL Variant Classification Criteria 13 December 2019. Collection method: clinical testing. Allele origin: germline.
Comment: This variant was observed in the ICSL laboratory as part of a predisposition screen in an ostensibly healthy population. It had not been previously curated by ICSL or reported in the Human Gene Mutation Database (HGMD: prior to June 1st, 2018), and was therefore a candidate for classification through an automated scoring system. Utilizing variant allele frequency, disease prevalence and penetrance estimates, and inheritance mode, an automated score was calculated to assess if this variant is too frequent to cause the disease. Based on the score and internal cut-off values, a variant classified as likely benign is not then subjected to further curation. The score for this variant resulted in a classification of likely benign for this disease.

Breakthrough Genomics
Classification: Likely benign. Review status: criteria provided, single submitter. Criteria: ACMG Guidelines, 2015. Collection method: not provided. Allele origin: germline. Inheritance: Autosomal recessive inheritance. Affected: yes.

NM_000312.4(PROC):c.630G>A (p.Pro210=)

Gene: PROC (protein C, inactivator of coagulation factors Va and VIIIa; plus strand). Cytogenetic location: 2q14.3.
Variant type: single nucleotide variant.
Coding change: c.630G>A on transcript NM_000312.4 (MANE Select); coding-DNA position 630, G replaced by A.
Protein change: p.Pro210=; no amino-acid change (proline 210 retained).
Molecular consequence: synonymous variant.
Genome position (GRCh38, 1-based): chr2:127,426,179, G>A. VCF-style: chr2-127426179-G-A. GRCh37 (hg19) VCF-style: chr2-128183755-G-A.
Other names: c.813G>A, p.Pro271= (NM_001375602.1); c.795G>A, p.Pro265= (NM_001375603.1); c.693G>A, p.Pro231= (NM_001375604.1); c.732G>A, p.Pro244= (NM_001375605.1); c.798G>A, p.Pro266= (NM_001375606.1); c.816G>A, p.Pro272= (NM_001375607.1); c.573G>A, p.Pro191= (NM_001375608.1); c.606G>A, p.Pro202= (NM_001375609.1); and 2 more.
Identifiers: ClinVar variation 331106 (VCV000331106.15), dbSNP rs2069927, ClinGen allele CA1859400.
Genomic context (GRCh38, chr2:127,426,179, plus strand): 5'-GGAGAAGAAGCGCAGTCACCTGAAACGAGACACAGAAGACCAAGAAGACCAAGTAGATCC[G>A]CGGCTCATTGATGGGAAGATGACCAGGCGGGGAGACAGCCCCTGGCAGGTGGGAGGCGAG-3'
Protein context (NP_000303.1, residues 200-220): DTEDQEDQVD[Pro210=]RLIDGKMTRR